The following is an entry in ClinVar:

ClinVar aggregate classification (germline): Pathogenic (1 of 4 stars; one submission).

Conditions:
Carnitine palmitoyltransferase II deficiency. Also called: Carnitine Palmitoyltransferase 2 Deficiency. Identifiers: Orphanet 157, MedGen C0342790, MONDO:0015515.

Submission:

Myriad Genetics, Inc.
Classification: Pathogenic for Carnitine palmitoyltransferase II deficiency. Last evaluated: 2026-09-03. Review status: criteria provided, single submitter. Criteria: Myriad Autosomal Dominant, Autosomal Recessive and X-Linked Classification Criteria (2023). Collection method: clinical testing. Allele origin: unknown.
Comment: NM_000098.2(CPT2):c.1099_1102delGCCGinsCA(A367Hfs*4) is a frameshift variant classified as pathogenic in the context of carnitine palmitoyltransferase II deficiency. A367Hfs*4 has not been observed in cases with relevant disease. Relevant functional assessments of this variant are not available in the literature. A367Hfs*4 has not been observed in referenced population frequency databases. In summary, NM_000098.2(CPT2):c.1099_1102delGCCGinsCA(A367Hfs*4) is a frameshift variant in a gene where loss of function is a known mechanism of disease and is predicted to disrupt protein function. Please note: this variant was assessed in the context of healthy population screening.

NM_000098.3(CPT2):c.1099_1102delinsCA (p.Ala367fs)

Gene: CPT2 (carnitine palmitoyltransferase 2; plus strand). Cytogenetic location: 1p32.3.
Variant type: Indel.
Coding change: c.1099_1102delinsCA on transcript NM_000098.3 (MANE Select); coding-DNA positions 1099 to 1102, GCCG replaced by CA.
Protein change: p.Ala367fs; shifts the reading frame from alanine 367.
Molecular consequence: frameshift variant.
Genome position (GRCh38, 1-based): chr1:53,210,773-53,210,776, GCCG replaced by CA. VCF-style: chr1-53210773-GCCG-CA. GRCh37 (hg19) VCF-style: chr1-53676445-GCCG-CA.
Other names: c.1099_1102delinsCA, p.Ala367fs (NM_001330589.2); short protein forms A367fs.
Identifiers: ClinVar variation 5003751 (VCV005003751.1).